The following is an entry in ClinVar:

NM_020297.4(ABCC9):c.974T>C (p.Val325Ala)

Gene: ABCC9 (ATP binding cassette subfamily C member 9; minus strand). Cytogenetic location: 12p12.1.
Variant type: single nucleotide variant.
Coding change: c.974T>C on transcript NM_020297.4 (MANE Select); coding-DNA position 974, T replaced by C.
Protein change: p.Val325Ala; replaces valine 325 with alanine.
Molecular consequence: missense variant.
Genome position (GRCh38, 1-based): chr12:21,912,909, A>G on the plus strand (T>C on the coding strand, the complement: ABCC9 is on the minus strand). VCF-style: chr12-21912909-A-G. GRCh37 (hg19) VCF-style: chr12-22065843-A-G.
Other names: c.974T>C, p.Val325Ala (NM_001377273.1, NM_005691.4); c.110T>C, p.Val37Ala (NM_001377274.1); short protein forms V37A, V325A.
Identifiers: ClinVar variation 1387084 (VCV001387084.8), dbSNP rs1397301809, ClinGen allele CA384120934.

ClinVar aggregate classification (germline): Uncertain significance (1 of 4 stars; one submission).

Conditions:
Dilated cardiomyopathy 1O (CMD1O). Also called: CARDIOMYOPATHY, DILATED, WITH VENTRICULAR TACHYCARDIA. Identifiers: Orphanet 154, MedGen C1837839, MONDO:0012062, OMIM 608569.

Allele frequency attached by ClinVar (database versions not stated): gnomAD exomes below 0.00001 and 0.00001.
gnomAD v4.1: 7 of 1,613,638 alleles (0.00043%); highest among the groups gnomAD compares: Non-Finnish European, 0.00059%; no homozygotes.

Submission:

Labcorp Genetics (formerly Invitae), Labcorp
Classification: Uncertain significance for Dilated cardiomyopathy 1O. Last evaluated: 2021-05-30. Review status: criteria provided, single submitter. Criteria: Invitae Variant Classification Sherloc (09022015). Collection method: clinical testing. Allele origin: germline.
Comment: In summary, the available evidence is currently insufficient to determine the role of this variant in disease. Therefore, it has been classified as a Variant of Uncertain Significance. Algorithms developed to predict the effect of missense changes on protein structure and function (SIFT, PolyPhen-2, Align-GVGD) all suggest that this variant is likely to be tolerated, but these predictions have not been confirmed by published functional studies and their clinical significance is uncertain. This variant has not been reported in the literature in individuals with ABCC9-related conditions. This variant is not present in population databases (ExAC no frequency). This sequence change replaces valine with alanine at codon 325 of the ABCC9 protein (p.Val325Ala). The valine residue is weakly conserved and there is a small physicochemical difference between valine and alanine.